The following is an entry in ClinVar:

ClinVar aggregate classification (germline): Likely pathogenic (1 of 4 stars; one submission).

Conditions:
Primary ciliary dyskinesia 3. Identifiers: Orphanet 244, MedGen C1837618, MONDO:0012085, OMIM 608644.

Allele frequency attached by ClinVar (database versions not stated): gnomAD exomes below 0.00001; TOPMed below 0.00001; gnomAD 0.00001.
gnomAD v4.1: 2 of 1,614,010 alleles (0.00012%); highest among the groups gnomAD compares: African/African-American, 0.0013%; no homozygotes.

Submission:

Myriad Genetics, Inc.
Classification: Likely pathogenic for Primary ciliary dyskinesia 3. Last evaluated: 2022-03-01. Review status: criteria provided, single submitter. Criteria: Myriad Women's Health Autosomal Recessive and X-Linked Classification Criteria (2021). Collection method: clinical testing. Allele origin: unknown.
Comment: NM_001369.2(DNAH5):c.2087T>A(L696*) is expected to be pathogenic in the context of DNAH5-related primary ciliary dyskinesia. This variant is predicted to lead to an abnormal or absent protein product due to the creation of a premature termination codon in DNAH5, a gene where loss-of-function variants are known to be pathogenic. Please note: this variant was assessed in the context of healthy population screening.

NM_001369.3(DNAH5):c.2087T>A (p.Leu696Ter)

Genes: DNAH5-AS1 (DNAH5 antisense RNA 1; plus strand), DNAH5 (dynein axonemal heavy chain 5; minus strand). Cytogenetic location: 5p15.2.
Variant type: single nucleotide variant.
Coding change: c.2087T>A on transcript NM_001369.3 (MANE Select); coding-DNA position 2087, T replaced by A.
Protein change: p.Leu696Ter; replaces leucine 696 with a stop codon.
Molecular consequence: nonsense.
Genome position (GRCh38, 1-based): chr5:13,900,378, A>T on the plus strand (T>A on the coding strand, the complement: DNAH5 is on the minus strand). VCF-style: chr5-13900378-A-T. GRCh37 (hg19) VCF-style: chr5-13900487-A-T.
Other names: short protein forms L696*.
Identifiers: ClinVar variation 1724847 (VCV001724847.2), dbSNP rs1002831578, ClinGen allele CA113943267.
Genomic context (GRCh38, chr5:13,900,378, plus strand): 5'-ATTAATATCTGAGGGTCAAAGTTTACAAACAATTCCCCTGTGCCTGGAGCCTTCACCAAT[A>T]ATGAAGCCTCAAGACCTACATGAATTTCTTCAATCTGTGGGAAGAAACCAACATCATTAC-3'